The following is an entry in ClinVar:

NM_001379081.2(FREM1):c.5408-3T>C

Gene: FREM1 (FRAS1 related extracellular matrix 1; minus strand). Cytogenetic location: 9p22.3.
Variant type: single nucleotide variant.
Coding change: c.5408-3T>C on transcript NM_001379081.2 (MANE Select); 3 bases into the intron before coding-DNA position 5408, T replaced by C.
Molecular consequence: intron variant.
Genome position (GRCh38, 1-based): chr9:14,750,279, A>G on the plus strand (T>C on the coding strand, the complement: FREM1 is on the minus strand). VCF-style: chr9-14750279-A-G. GRCh37 (hg19) VCF-style: chr9-14750277-A-G.
Other names: c.5408-3T>C (NM_144966.7); c.1016-3T>C (NM_001370061.2, NM_001177704.3); c.1016-1640T>C (NM_001370058.2).
Identifiers: ClinVar variation 4535104 (VCV004535104.6).

ClinVar aggregate classification (germline): Uncertain significance (1 of 4 stars; one submission).

Submission:

CeGaT Center for Human Genetics Tuebingen
Classification: Uncertain significance. Last evaluated: 2025-11-01. Review status: criteria provided, single submitter. Criteria: CeGaT Center For Human Genetics Tuebingen Variant Classification Criteria Version 2. Collection method: clinical testing. Allele origin: germline. Affected: yes. Observed: 1 variant allele.
Comment: FREM1: PM2, BP4